The following is an entry in ClinVar:

ClinVar aggregate classification (germline): Uncertain significance (1 of 4 stars; one submission).

gnomAD v4.1: 1 of 1,602,758 alleles (0.000062%); highest among the groups gnomAD compares: Non-Finnish European, 0.000085%; no homozygotes.

Submission:

Labcorp Genetics (formerly Invitae), Labcorp
Classification: Uncertain significance. Last evaluated: 2022-05-21. Review status: criteria provided, single submitter. Criteria: Invitae Variant Classification Sherloc (09022015). Collection method: clinical testing. Allele origin: germline.
Comment: This variant has not been reported in the literature in individuals affected with OPA1-related conditions. This sequence change replaces glycine, which is neutral and non-polar, with aspartic acid, which is acidic and polar, at codon 254 of the OPA1 protein (p.Gly254Asp). This variant is not present in population databases (gnomAD no frequency). Advanced modeling of protein sequence and biophysical properties (such as structural, functional, and spatial information, amino acid conservation, physicochemical variation, residue mobility, and thermodynamic stability) performed at Invitae indicates that this missense variant is not expected to disrupt OPA1 protein function. In summary, the available evidence is currently insufficient to determine the role of this variant in disease. Therefore, it has been classified as a Variant of Uncertain Significance.

NM_130837.3(OPA1):c.926G>A (p.Gly309Asp)

Gene: OPA1 (OPA1 mitochondrial dynamin like GTPase; plus strand). Cytogenetic location: 3q29.
Variant type: single nucleotide variant.
Coding change: c.926G>A on transcript NM_130837.3 (MANE Select); coding-DNA position 926, G replaced by A.
Protein change: p.Gly309Asp; replaces glycine 309 with aspartic acid.
Molecular consequence: missense variant.
Genome position (GRCh38, 1-based): chr3:193,635,500, G>A. VCF-style: chr3-193635500-G-A. GRCh37 (hg19) VCF-style: chr3-193353289-G-A.
Other names: c.392G>A, p.Gly131Asp (NM_001354663.2); c.389G>A, p.Gly130Asp (NM_001354664.2); c.761G>A, p.Gly254Asp (NM_015560.3); c.653G>A, p.Gly218Asp (NM_130831.3); c.707G>A, p.Gly236Asp (NM_130832.3); c.764G>A, p.Gly255Asp (NM_130833.3); c.815G>A, p.Gly272Asp (NM_130834.3); c.818G>A, p.Gly273Asp (NM_130835.3); and 1 more; short protein forms G254D, G130D, G236D, G309D, G255D, G272D, G131D, G218D.
Identifiers: ClinVar variation 2053133 (VCV002053133.4), dbSNP rs767846962, ClinGen allele CA355787473.